The following is an entry in ClinVar:

NM_025150.4(TARS2):c.-31_-28del

Gene: TARS2 (threonyl-tRNA synthetase 2, mitochondrial; plus strand). Cytogenetic location: 1q21.2.
Variant type: Deletion.
Coding change: c.-31_-28del on transcript NM_025150.4; 31 bases upstream of the start codon through 28 bases upstream of the start codon, 4 bases deleted (TTTG; older notation c.-31_-28delTTTG).
Genome position (GRCh38, 1-based): chr1:150,487,420-150,487,423, TTTG deleted; deleting any 4 consecutive bases within chr1:150,487,418-150,487,423 gives the same sequence; the c. name uses the placement nearest the transcript's 3' end. VCF-style (leftmost placement, unchanged base first): chr1-150487417-CTGTT-C. GRCh37 (hg19) VCF-style: chr1-150459893-CTGTT-C.
Other names: c.-33_-30delTGTT (NM_025150.4).
Identifiers: ClinVar variation 517079 (VCV000517079.10), dbSNP rs3840448, ClinGen allele CA1076542.

ClinVar aggregate classification (germline): Benign. Review status: criteria provided, single submitter (1 of 4 stars). 3 submissions from 2 submitters: Benign (1). 2 of the submissions do not count toward it. Last evaluated 2016-08-01.

Submissions (3):

GeneDx
Classification: Benign. Last evaluated: 2016-08-01. Review status: criteria provided, single submitter. Criteria: GeneDx Variant Classification Process June 2021. Collection method: clinical testing. Allele origin: germline. Affected: yes.

Mayo Clinic Laboratories, Mayo Clinic
Classification: Benign. Last evaluated: 2016-03-16. Review status: no assertion criteria provided. Collection method: clinical testing. Allele origin: unknown. Not counted in ClinVar's aggregate classification.

GeneDx
Classification: Benign. Last evaluated: 2017-01-30. Review status: flagged submission. Criteria: GeneDx Variant Classification (06012015). Collection method: clinical testing. Allele origin: germline. Affected: yes. Not counted in ClinVar's aggregate classification.
Comment: This variant is considered likely benign or benign based on one or more of the following criteria: it is a conservative change, it occurs at a poorly conserved position in the protein, it is predicted to be benign by multiple in silico algorithms, and/or has population frequency not consistent with disease.
ClinVar note: Reason: This record appears to be redundant with a more recent record from the same submitter.
ClinVar note: Notes: SCV000731128 appears to be redundant with SCV001841857.